The following is an entry in ClinVar:

ClinVar aggregate classification (germline): Uncertain significance (1 of 4 stars; one submission).

Submission:

Ambry Genetics
Classification: Uncertain significance. Last evaluated: 2024-06-21. Review status: criteria provided, single submitter. Criteria: Ambry Variant Classification Scheme 2023. Collection method: clinical testing. Allele origin: germline.
Comment: The p.G26C variant (also known as c.76G>T), located in coding exon 1 of the TERF2IP gene, results from a G to T substitution at nucleotide position 76. The glycine at codon 26 is replaced by cysteine, an amino acid with highly dissimilar properties. This amino acid position is conserved. In addition, the in silico prediction for this alteration is inconclusive. Based on the available evidence, the clinical significance of this variant remains unclear.

NM_018975.4(TERF2IP):c.76G>T (p.Gly26Cys)

Gene: TERF2IP (TERF2 interacting protein; plus strand). Cytogenetic location: 16q23.1.
Variant type: single nucleotide variant.
Coding change: c.76G>T on transcript NM_018975.4 (MANE Select); coding-DNA position 76, G replaced by T.
Protein change: p.Gly26Cys; replaces glycine 26 with cysteine.
Molecular consequence: missense variant. On other transcripts: non-coding transcript variant (1).
Genome position (GRCh38, 1-based): chr16:75,647,958, G>T. VCF-style: chr16-75647958-G-T. GRCh37 (hg19) VCF-style: chr16-75681856-G-T.
Other names: short protein forms G26C.
Identifiers: ClinVar variation 3325473 (VCV003325473.1).